The following is an entry in ClinVar:

ClinVar aggregate classification (germline): Likely benign. Review status: criteria provided, multiple submitters, no conflicts (2 of 4 stars). 2 submissions from 2 submitters: Likely benign (2). Last evaluated 2023-09-04.

Conditions:
Hypercholesterolemia, autosomal dominant, 3 (FHCL3). Also called: Familial Hypercholesterolemia, Autosomal Dominant, 3; PCSK9-Related Familial Hypercholesterolemia, Autosomal Dominant; Familial hypercholesterolemia 3. Identifiers: MedGen C1863551, MONDO:0011369, OMIM 603776.

Allele frequency attached by ClinVar (database versions not stated): gnomAD exomes below 0.00001.
gnomAD v4.1: 1 of 1,604,812 alleles (0.000062%); highest among the groups gnomAD compares: Non-Finnish European, 0.000085%; no homozygotes.

Submissions (2):

All of Us Research Program, National Institutes of Health
Classification: Likely benign for Hypercholesterolemia, autosomal dominant, 3. Last evaluated: 2023-09-04. Review status: criteria provided, single submitter. Criteria: ACMG Guidelines, 2015. Collection method: clinical testing. Allele origin: germline. Inheritance: Autosomal dominant inheritance. Observed: 1 variant allele, 1 heterozygote.
Comment: This study involves interpretation of variants in research participants for the purpose of population health screening. Participant phenotype was not available at the time of variant classification. Additional details can be found in publication PMID: 35346344, PMCID: PMC8962531

Labcorp Genetics (formerly Invitae), Labcorp
Classification: Likely benign for Hypercholesterolemia, autosomal dominant, 3. Last evaluated: 2022-08-18. Review status: criteria provided, single submitter. Criteria: Invitae Variant Classification Sherloc (09022015). Collection method: clinical testing. Allele origin: germline.

NM_174936.4(PCSK9):c.1682-5C>T

Gene: PCSK9 (proprotein convertase subtilisin/kexin type 9; plus strand). Cytogenetic location: 1p32.3.
Variant type: single nucleotide variant.
Coding change: c.1682-5C>T on transcript NM_174936.4 (MANE Select); 5 bases into the intron before coding-DNA position 1682, C replaced by T.
Molecular consequence: intron variant.
Genome position (GRCh38, 1-based): chr1:55,061,370, C>T. VCF-style: chr1-55061370-C-T. GRCh37 (hg19) VCF-style: chr1-55527043-C-T.
Identifiers: ClinVar variation 2020848 (VCV002020848.5), dbSNP rs2523277412, ClinGen allele CA2580063057.